The following is an entry in ClinVar:

NM_001384140.1(PCDH15):c.1305+1del

Gene: PCDH15 (protocadherin related 15; minus strand). Cytogenetic location: 10q21.1.
Variant type: Deletion.
Coding change: c.1305+1del on transcript NM_001384140.1 (MANE Select); the canonical splice donor site of the intron after coding-DNA position 1305, one base deleted (G; older notation c.1305+1delG).
Molecular consequence: splice donor variant.
Genome position (GRCh38, 1-based): chr10:54,195,682, C deleted on the plus strand (G on the coding strand, the reverse complement: PCDH15 is on the minus strand). VCF-style (leftmost placement, unchanged base first): chr10-54195681-AC-A. GRCh37 (hg19) VCF-style: chr10-55955441-AC-A.
Other names: c.1305+1del (NM_001354420.2, NM_001354429.2, NM_001142772.2 and 7 more transcripts); c.1320+1del (NM_001142771.2, NM_001142769.3, NM_001142763.2); c.1239+1del (NM_001354404.2, NM_001142773.2, NM_001142768.2); c.1194+1del (NM_001142767.2).
Identifiers: ClinVar variation 552225 (VCV000552225.9), dbSNP rs1554833699, ClinGen allele CA658822511.

ClinVar aggregate classification (germline): Likely pathogenic. Review status: criteria provided, single submitter (1 of 4 stars). 2 submissions from 2 submitters: Likely pathogenic (1). 1 of the submissions does not count toward it. Last evaluated 2021-12-23.

Conditions:
Usher syndrome type 1F (USH1F). Also called: USHER SYNDROME, TYPE IF. Identifiers: Orphanet 231169, Orphanet 886, MedGen C1865885, MONDO:0011186, OMIM 602083.

Submissions (2):

Labcorp Genetics (formerly Invitae), Labcorp
Classification: Likely pathogenic. Last evaluated: 2021-12-23. Review status: criteria provided, single submitter. Criteria: Invitae Variant Classification Sherloc (09022015). Collection method: clinical testing. Allele origin: germline.
Comment: ClinVar contains an entry for this variant (Variation ID: 552225). Algorithms developed to predict the effect of sequence changes on RNA splicing suggest that this variant may disrupt the consensus splice site. In summary, the currently available evidence indicates that the variant is pathogenic, but additional data are needed to prove that conclusively. Therefore, this variant has been classified as Likely Pathogenic. This variant has not been reported in the literature in individuals affected with PCDH15-related conditions. This sequence change affects a splice site in intron 11 of the PCDH15 gene. It is expected to disrupt RNA splicing. Variants that disrupt the donor or acceptor splice site typically lead to a loss of protein function (PMID: 16199547), and loss-of-function variants in PCDH15 are known to be pathogenic (PMID: 11398101, 11487575, 14570705). This variant is not present in population databases (gnomAD no frequency).

Counsyl
Classification: Likely pathogenic for Usher syndrome type 1F. Last evaluated: 2017-05-31. Review status: no assertion criteria provided. Collection method: clinical testing. Allele origin: unknown. Not counted in ClinVar's aggregate classification.

Literature cited by the submitters: PubMed 16199547 (cited by Labcorp Genetics (formerly Invitae), Labcorp); PubMed 11398101 (cited by Labcorp Genetics (formerly Invitae), Labcorp); PubMed 11487575 (cited by Labcorp Genetics (formerly Invitae), Labcorp); PubMed 14570705 (cited by Labcorp Genetics (formerly Invitae), Labcorp).